The following is an entry in ClinVar:

NM_001267550.2(TTN):c.40796C>T (p.Thr13599Ile)

Gene: TTN (titin; minus strand). Cytogenetic location: 2q31.2.
Variant type: single nucleotide variant.
Coding change: c.40796C>T on transcript NM_001267550.2 (MANE Select); coding-DNA position 40796, C replaced by T.
Protein change: p.Thr13599Ile; replaces threonine 13599 with isoleucine.
Molecular consequence: missense variant.
Genome position (GRCh38, 1-based): chr2:178,639,779, G>A on the plus strand (C>T on the coding strand, the complement: TTN is on the minus strand). VCF-style: chr2-178639779-G-A. GRCh37 (hg19) VCF-style: chr2-179504506-G-A.
Other names: p.T11958I:ACA>ATA; c.35873C>T, p.Thr11958Ile (NM_001256850.1); c.13601C>T, p.Thr4534Ile (NM_003319.4); c.33092C>T, p.Thr11031Ile (NM_133378.4); c.13976C>T, p.Thr4659Ile (NM_133432.3); c.14177C>T, p.Thr4726Ile (NM_133437.4); short protein forms T11958I, T13599I, T4534I, T11031I, T4659I, T4726I.
Identifiers: ClinVar variation 202613 (VCV000202613.16), dbSNP rs370418677, ClinGen allele CA309755.

ClinVar aggregate classification (germline): Conflicting classifications of pathogenicity. Review status: criteria provided, conflicting classifications (1 of 4 stars). 8 submissions from 8 submitters: Uncertain significance (5); Likely benign (3). Last evaluated 2026-06-29.

Conditions:
TTN-related disorder. Also called: TTN-related condition; TTN-related disease; TTN-related disorders.
Dilated cardiomyopathy 1G (CMD1G). Identifiers: Orphanet 154, MedGen C1858763, MONDO:0011400, OMIM 604145.
Autosomal recessive limb-girdle muscular dystrophy type 2J (LGMDR10). Also called: Limb-girdle muscular dystrophy, type 2J; MUSCULAR DYSTROPHY, LIMB-GIRDLE, AUTOSOMAL RECESSIVE 10. Identifiers: Orphanet 140922, MedGen C1837342, MONDO:0012127, OMIM 608807.
Cardiovascular phenotype. Identifiers: MedGen CN230736.

Allele frequency attached by ClinVar (database versions not stated): gnomAD exomes 0.00006 and 0.00009; ExAC 0.00008; gnomAD 0.00010 and 0.00011; TOPMed 0.00010; ESP Exome Variant Server 0.00025.
gnomAD v4.1: 147 of 1,593,946 alleles (0.0092%); highest among the groups gnomAD compares: Non-Finnish European, 0.011%; no homozygotes.

Submissions (8):

PreventionGenetics, part of Exact Sciences
Classification: Uncertain significance for TTN-related condition. Last evaluated: 2026-06-29. Review status: criteria provided, single submitter. Criteria: ACMG Guidelines, 2015. Collection method: clinical testing. Allele origin: germline.
Comment: The TTN c.40796C>T variant is predicted to result in the amino acid substitution p.Thr13599Ile. To our knowledge, this variant has not been reported in the literature. This variant is reported in 0.013% of alleles in individuals of African descent in gnomAD. Although we suspect that this variant may be benign, at this time, the clinical significance of this variant is uncertain due to the absence of conclusive functional and genetic evidence.

Women's Health and Genetics/Laboratory Corporation of America, LabCorp
Classification: Uncertain significance. Last evaluated: 2025-07-01. Review status: criteria provided, single submitter. Criteria: LabCorp Variant Classification Summary - May 2015. Collection method: clinical testing. Allele origin: germline.
Comment: Variant summary: TTN c.33092C>T (p.Thr11031Ile) results in a non-conservative amino acid change in the encoded protein sequence. Algorithms developed to predict the effect of missense changes on protein structure and function are either unavailable or do not agree on the potential impact of this missense change. The variant allele was found at a frequency of 6.1e-05 in 227800 control chromosomes. This frequency is not significantly higher than estimated for a pathogenic variant in TTN causing Autosomal Recessive Titinopathy (6.1e-05 vs 0.00039), allowing no conclusion about variant significance. To our knowledge, no occurrence of c.33092C>T in individuals affected with Autosomal Recessive Titinopathy and no experimental evidence demonstrating its impact on protein function have been reported. ClinVar contains an entry for this variant (Variation ID: 202613). Based on the evidence outlined above, the variant was classified as uncertain significance.

Molecular Diagnostic Laboratory for Inherited Cardiovascular Disease, Montreal Heart Institute
Classification: Likely benign. Last evaluated: 2025-04-09. Review status: criteria provided, single submitter. Criteria: ACMG Guidelines, 2015. Collection method: clinical testing. Allele origin: germline. Affected: no.

Blueprint Genetics
Classification: Likely benign. Last evaluated: 2024-03-08. Review status: criteria provided, single submitter. Criteria: ACMG Guidelines, 2015. Collection method: clinical testing. Allele origin: germline.

Revvity Omics, Revvity
Classification: Uncertain significance. Last evaluated: 2023-02-03. Review status: criteria provided, single submitter. Criteria: ACMG Guidelines, 2015. Collection method: clinical testing. Allele origin: germline.

Ambry Genetics
Classification: Likely benign for Cardiovascular phenotype. Last evaluated: 2020-09-23. Review status: criteria provided, single submitter. Criteria: Ambry Variant Classification Scheme 2023. Collection method: clinical testing. Allele origin: germline.

Labcorp Genetics (formerly Invitae), Labcorp
Classification: Uncertain significance for Dilated cardiomyopathy 1G; Autosomal recessive limb-girdle muscular dystrophy type 2J. Last evaluated: 2017-08-22. Review status: criteria provided, single submitter. Criteria: Invitae Variant Classification Sherloc (09022015). Collection method: clinical testing. Allele origin: germline.

GeneDx
Classification: Uncertain significance. Last evaluated: 2017-01-05. Review status: criteria provided, single submitter. Criteria: GeneDx Variant Classification (06012015). Collection method: clinical testing. Allele origin: germline. Affected: yes.
Comment: Missense variants in the TTN gene are considered 'unclassified' if they are not previously reported in the literature and do not have >1% frequency in the population to be considered a polymorphism. Research indicates that truncating mutations in the TTN gene are expected to account for approximately 25% of familial and 18% of sporadic idiopathic DCM; however, truncating variants in the TTN gene have been reported in approximately 3% of reported control alleles. There has been little investigation into non-truncating variants. (Herman D et al. Truncations of titin causing dilated cardiomyopathy. N Eng J Med 366:619-628, 2012) The variant is found in DCM panel(s).